The following is an entry in ClinVar:

NM_213622.4(STAMBP):c.764G>A (p.Arg255His)

Gene: STAMBP (STAM binding protein; plus strand). Cytogenetic location: 2p13.1.
Variant type: single nucleotide variant.
Coding change: c.764G>A on transcript NM_213622.4 (MANE Select); coding-DNA position 764, G replaced by A.
Protein change: p.Arg255His; replaces arginine 255 with histidine.
Molecular consequence: missense variant. On other transcripts: non-coding transcript variant (4).
Genome position (GRCh38, 1-based): chr2:73,849,384, G>A. VCF-style: chr2-73849384-G-A. GRCh37 (hg19) VCF-style: chr2-74076511-G-A.
Other names: c.764G>A, p.Arg255His (NM_001353967.2, NM_001353968.2, NM_001353969.2 and 3 more transcripts); c.359G>A, p.Arg120His (NM_001353971.2, NM_001353972.2, NM_001353973.2 and 3 more transcripts); short protein forms R255H, R120H.
Identifiers: ClinVar variation 436880 (VCV000436880.48), dbSNP rs146601260, ClinGen allele CA1717616.

ClinVar aggregate classification (germline): Conflicting classifications of pathogenicity. Review status: criteria provided, conflicting classifications (1 of 4 stars). 6 submissions from 6 submitters: Uncertain significance (1); Benign (1); Likely benign (4). Last evaluated 2026-01-05.

Conditions:
STAMBP-related disorder. Also called: STAMBP-related condition.
Microcephaly-capillary malformation syndrome (MICCAP). Identifiers: Orphanet 294016, MedGen C3280296, MONDO:0013659, OMIM 614261.

Allele frequency attached by ClinVar (database versions not stated): 1000 Genomes Project 30x 0.00016; 1000 Genomes Project 0.00020; gnomAD 0.00088 and 0.00090; gnomAD exomes 0.00103; TOPMed 0.00104; ExAC 0.00116; ESP Exome Variant Server 0.00146.
gnomAD v4.1: 1,831 of 1,614,002 alleles (0.11%); highest among the groups gnomAD compares: Middle Eastern, 0.26%; 8 homozygotes.

Submissions (6):

Labcorp Genetics (formerly Invitae), Labcorp
Classification: Benign. Last evaluated: 2026-01-05. Review status: criteria provided, single submitter. Criteria: Invitae Variant Classification Sherloc (09022015). Collection method: clinical testing. Allele origin: germline.

PreventionGenetics, part of Exact Sciences
Classification: Likely benign for STAMBP-related condition. Last evaluated: 2025-12-11. Review status: criteria provided, single submitter. Criteria: ACMG Guidelines, 2015. Collection method: clinical testing. Allele origin: germline.
Comment: This variant is classified as likely benign based on ACMG/AMP sequence variant interpretation guidelines (Richards et al. 2015 PMID: 25741868, with internal and published modifications).

Blueprint Genetics
Classification: Likely benign. Last evaluated: 2024-11-14. Review status: criteria provided, single submitter. Criteria: ACMG Guidelines, 2015. Collection method: clinical testing. Allele origin: germline.

CeGaT Center for Human Genetics Tuebingen
Classification: Likely benign. Last evaluated: 2024-11-01. Review status: criteria provided, single submitter. Criteria: CeGaT Center For Human Genetics Tuebingen Variant Classification Criteria Version 2. Collection method: clinical testing. Allele origin: germline. Affected: yes. Observed: 7 variant alleles.
Comment: STAMBP: BP4, BS2

ARUP Laboratories, Molecular Genetics and Genomics, ARUP Laboratories
Classification: Likely benign for Microcephaly-capillary malformation syndrome. Last evaluated: 2020-10-28. Review status: criteria provided, single submitter. Criteria: ARUP Molecular Germline Variant Investigation Process 2021. Collection method: clinical testing. Allele origin: germline.

Genetic Services Laboratory, University of Chicago
Classification: Uncertain significance. Last evaluated: 2016-02-19. Review status: criteria provided, single submitter. Criteria: ACMG Guidelines, 2015. Collection method: clinical testing. Allele origin: germline. Affected: no.